The following is an entry in ClinVar:

ClinVar aggregate classification (germline): Uncertain significance. Review status: criteria provided, multiple submitters, no conflicts (2 of 4 stars). 2 submissions from 2 submitters: Uncertain significance (2). Last evaluated 2024-07-27.

Allele frequency attached by ClinVar (database versions not stated): ExAC 0.00001; gnomAD 0.00001; gnomAD exomes 0.00001; TOPMed 0.00001.
gnomAD v4.1: 8 of 1,613,648 alleles (0.0005%); highest among the groups gnomAD compares: Non-Finnish European, 0.00068%; no homozygotes.

Submissions (2):

GeneDx
Classification: Uncertain significance. Last evaluated: 2024-07-27. Review status: criteria provided, single submitter. Criteria: GeneDx Variant Classification Process June 2021. Collection method: clinical testing. Allele origin: germline. Affected: yes.
Comment: Not observed at significant frequency in large population cohorts (gnomAD); In silico analysis supports that this missense variant has a deleterious effect on protein structure/function; Has not been previously published as pathogenic or benign to our knowledge

Labcorp Genetics (formerly Invitae), Labcorp
Classification: Uncertain significance. Last evaluated: 2022-11-04. Review status: criteria provided, single submitter. Criteria: Invitae Variant Classification Sherloc (09022015). Collection method: clinical testing. Allele origin: germline.
Comment: This sequence change replaces serine, which is neutral and polar, with arginine, which is basic and polar, at codon 2175 of the TRIOBP protein (p.Ser2175Arg). This variant is present in population databases (rs762634587, gnomAD 0.002%). This variant has not been reported in the literature in individuals affected with TRIOBP-related conditions. Algorithms developed to predict the effect of missense changes on protein structure and function are either unavailable or do not agree on the potential impact of this missense change (SIFT: "Deleterious"; PolyPhen-2: "Possibly Damaging"; Align-GVGD: "Class C0"). In summary, the available evidence is currently insufficient to determine the role of this variant in disease. Therefore, it has been classified as a Variant of Uncertain Significance.

NM_001039141.3(TRIOBP):c.6525C>G (p.Ser2175Arg)

Gene: TRIOBP (TRIO and F-actin binding protein; plus strand). Cytogenetic location: 22q13.1.
Variant type: single nucleotide variant.
Coding change: c.6525C>G on transcript NM_001039141.3 (MANE Select); coding-DNA position 6525, C replaced by G.
Protein change: p.Ser2175Arg; replaces serine 2175 with arginine.
Molecular consequence: missense variant.
Genome position (GRCh38, 1-based): chr22:37,768,126, C>G. VCF-style: chr22-37768126-C-G. GRCh37 (hg19) VCF-style: chr22-38164133-C-G.
Other names: c.6525C>G (NM_001039141.2); c.1386C>G, p.Ser462Arg (NM_007032.5); short protein forms S2175R, S462R.
Identifiers: ClinVar variation 2021128 (VCV002021128.5), dbSNP rs762634587, ClinGen allele CA10225083.
Genomic context (GRCh38, chr22:37,768,126, plus strand): 5'-GCTTCCAGCCATTGAAGCCATGAAGAAGGCCTACCAGGAAGAGCTGAGCCGAGAGCTGAG[C>G]AAAACACGGAGTCTCCAGCAGGGCCCGGATGGCCTCCGGAAGCAGCACCAGTAAGATGAT-3'
Protein context (NP_001034230.1, residues 2165-2185): AYQEELSREL[Ser2175Arg]KTRSLQQGPD